The following is an entry in ClinVar:

NM_003803.4(MYOM1):c.193T>C (p.Ser65Pro)

Gene: MYOM1 (myomesin 1; minus strand). Cytogenetic location: 18p11.31.
Variant type: single nucleotide variant.
Coding change: c.193T>C on transcript NM_003803.4 (MANE Select); coding-DNA position 193, T replaced by C.
Protein change: p.Ser65Pro; replaces serine 65 with proline.
Molecular consequence: missense variant.
Genome position (GRCh38, 1-based): chr18:3,215,031, A>G on the plus strand (T>C on the coding strand, the complement: MYOM1 is on the minus strand). VCF-style: chr18-3215031-A-G. GRCh37 (hg19) VCF-style: chr18-3215029-A-G.
Other names: c.193T>C, p.Ser65Pro (NM_019856.2); short protein forms S65P.
Identifiers: ClinVar variation 3298044 (VCV003298044.1).

ClinVar aggregate classification (germline): Uncertain significance (1 of 4 stars; one submission).

Submission:

Ambry Genetics
Classification: Uncertain significance. Last evaluated: 2024-06-02. Review status: criteria provided, single submitter. Criteria: Ambry Variant Classification Scheme 2023. Collection method: clinical testing. Allele origin: germline.
Comment: The p.S65P variant (also known as c.193T>C), located in coding exon 1 of the MYOM1 gene, results from a T to C substitution at nucleotide position 193. The serine at codon 65 is replaced by proline, an amino acid with similar properties. This amino acid position is conserved. In addition, this alteration is predicted to be tolerated by in silico analysis. Based on the available evidence, the clinical significance of this variant remains unclear.